The following is an entry in ClinVar:

ClinVar aggregate classification (germline): Uncertain significance (1 of 4 stars; one submission).

Conditions:
Hypertrophic cardiomyopathy. Also called: HYPERTROPHIC MYOCARDIOPATHY. Identifiers: Orphanet 217569, MedGen C0007194, MeSH D002312, MONDO:0005045, HP:0001639.

Submission:

Labcorp Genetics (formerly Invitae), Labcorp
Classification: Uncertain significance for Hypertrophic cardiomyopathy. Last evaluated: 2026-01-10. Review status: criteria provided, single submitter. Criteria: Invitae Variant Classification Sherloc (09022015). Collection method: clinical testing. Allele origin: germline.
Comment: This sequence change replaces glutamine, which is neutral and polar, with glutamic acid, which is acidic and polar, at codon 1063 of the MYH7 protein (p.Gln1063Glu). This variant is not present in population databases (gnomAD no frequency). This variant has not been reported in the literature in individuals affected with MYH7-related conditions. Invitae Evidence Modeling of protein sequence and biophysical properties (such as structural, functional, and spatial information, amino acid conservation, physicochemical variation, residue mobility, and thermodynamic stability) indicates that this missense variant is expected to disrupt MYH7 protein function with a positive predictive value of 95%. In summary, the available evidence is currently insufficient to determine the role of this variant in disease. Therefore, it has been classified as a Variant of Uncertain Significance.

NM_000257.4(MYH7):c.3187C>G (p.Gln1063Glu)

Gene: MYH7 (myosin heavy chain 7; minus strand). Cytogenetic location: 14q11.2.
Variant type: single nucleotide variant.
Coding change: c.3187C>G on transcript NM_000257.4 (MANE Select); coding-DNA position 3187, C replaced by G.
Protein change: p.Gln1063Glu; replaces glutamine 1063 with glutamic acid.
Molecular consequence: missense variant.
Genome position (GRCh38, 1-based): chr14:23,422,238, G>C on the plus strand (C>G on the coding strand, the complement: MYH7 is on the minus strand). VCF-style: chr14-23422238-G-C. GRCh37 (hg19) VCF-style: chr14-23891447-G-C.
Other names: c.3187C>G, p.Gln1063Glu (NM_001407004.1); short protein forms Q1063E.
Identifiers: ClinVar variation 4801934 (VCV004801934.1).